The following is an entry in ClinVar:

NM_016247.4(IMPG2):c.1553A>G (p.Asn518Ser)

Gene: IMPG2 (interphotoreceptor matrix proteoglycan 2; minus strand). Cytogenetic location: 3q12.3.
Variant type: single nucleotide variant.
Coding change: c.1553A>G on transcript NM_016247.4 (MANE Select); coding-DNA position 1553, A replaced by G.
Protein change: p.Asn518Ser; replaces asparagine 518 with serine.
Molecular consequence: missense variant.
Genome position (GRCh38, 1-based): chr3:101,244,778, T>C on the plus strand (A>G on the coding strand, the complement: IMPG2 is on the minus strand). VCF-style: chr3-101244778-T-C. GRCh37 (hg19) VCF-style: chr3-100963622-T-C.
Other names: short protein forms N518S.
Identifiers: ClinVar variation 342348 (VCV000342348.7), dbSNP rs200892260, ClinGen allele CA2519131.

ClinVar aggregate classification (germline): Conflicting classifications of pathogenicity. Review status: criteria provided, conflicting classifications (1 of 4 stars). 3 submissions from 3 submitters: Uncertain significance (2); Likely benign (1). Last evaluated 2024-09-13.

Conditions:
Retinitis pigmentosa (RP). Identifiers: Orphanet 791, MedGen C0035334, MeSH D012174, MONDO:0019200, OMIM 268000. Inheritance: Autosomal dominant, autosomal recessive and X linked inheritance.

Allele frequency attached by ClinVar (database versions not stated): gnomAD 0.00003; gnomAD exomes 0.00003 and 0.00005; TOPMed 0.00004; ExAC 0.00005.
gnomAD v4.1: 56 of 1,613,454 alleles (0.0035%); highest among the groups gnomAD compares: Middle Eastern, 0.016%; no homozygotes.

Submissions (3):

Blueprint Genetics
Classification: Likely benign. Last evaluated: 2024-09-13. Review status: criteria provided, single submitter. Criteria: ACMG Guidelines, 2015. Collection method: clinical testing. Allele origin: germline.

Labcorp Genetics (formerly Invitae), Labcorp
Classification: Uncertain significance. Last evaluated: 2022-09-01. Review status: criteria provided, single submitter. Criteria: Invitae Variant Classification Sherloc (09022015). Collection method: clinical testing. Allele origin: germline.
Comment: This sequence change replaces asparagine, which is neutral and polar, with serine, which is neutral and polar, at codon 518 of the IMPG2 protein (p.Asn518Ser). This variant is present in population databases (rs200892260, gnomAD 0.09%). This variant has not been reported in the literature in individuals affected with IMPG2-related conditions. ClinVar contains an entry for this variant (Variation ID: 342348). Algorithms developed to predict the effect of missense changes on protein structure and function output the following: SIFT: "Tolerated"; PolyPhen-2: "Benign"; Align-GVGD: "Class C0". The serine amino acid residue is found in multiple mammalian species, which suggests that this missense change does not adversely affect protein function. In summary, the available evidence is currently insufficient to determine the role of this variant in disease. Therefore, it has been classified as a Variant of Uncertain Significance.

Illumina Laboratory Services, Illumina
Classification: Uncertain significance for Retinitis pigmentosa. Last evaluated: 2018-01-12. Review status: criteria provided, single submitter. Criteria: ICSL Variant Classification Criteria 13 December 2019. Collection method: clinical testing. Allele origin: germline.